The following is an entry in ClinVar:

NM_004333.6(BRAF):c.63G>A (p.Gly21=)

Gene: BRAF (B-Raf proto-oncogene, serine/threonine kinase; minus strand). Cytogenetic location: 7q34.
Variant type: single nucleotide variant.
Coding change: c.63G>A on transcript NM_004333.6 (MANE Select); coding-DNA position 63, G replaced by A.
Protein change: p.Gly21=; no amino-acid change (glycine 21 retained).
Molecular consequence: synonymous variant.
Genome position (GRCh38, 1-based): chr7:140,924,641, C>T on the plus strand (G>A on the coding strand, the complement: BRAF is on the minus strand). VCF-style: chr7-140924641-C-T. GRCh37 (hg19) VCF-style: chr7-140624441-C-T.
Other names: c.63G>A, p.Gly21= (NM_001354609.2, NM_001374244.1, NM_001374258.1 and 7 more transcripts).
Identifiers: ClinVar variation 1334222 (VCV001334222.16), dbSNP rs1158725219, ClinGen allele CA458124865.

ClinVar aggregate classification (germline): Conflicting classifications of pathogenicity. Review status: criteria provided, conflicting classifications (1 of 4 stars). 6 submissions from 6 submitters: Uncertain significance (1); Likely benign (4). 1 of the submissions does not count toward it. Last evaluated 2025-11-25.

Conditions:
BRAF-related disorder. Also called: BRAF-related condition.
Cardiovascular phenotype. Identifiers: MedGen CN230736.
Noonan syndrome and Noonan-related syndrome. Identifiers: Orphanet 98733, MedGen C5681679, MONDO:0020297.
RASopathy. Also called: rasopathies; Noonan spectrum disorder. Identifiers: Orphanet 536391, MedGen C5555857, MONDO:0021060.

Allele frequency attached by ClinVar (database versions not stated): gnomAD 0.00001; gnomAD exomes 0.00001.

Submissions (6):

Women's Health and Genetics/Laboratory Corporation of America, LabCorp
Classification: Likely benign. Last evaluated: 2025-11-25. Review status: criteria provided, single submitter. Criteria: LabCorp Variant Classification Summary - May 2015. Collection method: clinical testing. Allele origin: germline.

Labcorp Genetics (formerly Invitae), Labcorp
Classification: Likely benign for RASopathy. Last evaluated: 2025-05-11. Review status: criteria provided, single submitter. Criteria: Invitae Variant Classification Sherloc (09022015). Collection method: clinical testing. Allele origin: germline.

Ambry Genetics
Classification: Likely benign for Cardiovascular phenotype. Last evaluated: 2022-12-31. Review status: criteria provided, single submitter. Criteria: Ambry Variant Classification Scheme 2023. Collection method: clinical testing. Allele origin: germline.

Blueprint Genetics
Classification: Likely benign. Last evaluated: 2021-01-27. Review status: criteria provided, single submitter. Criteria: ACMG Guidelines, 2015. Collection method: clinical testing. Allele origin: germline.

Genome Diagnostics Laboratory, The Hospital for Sick Children
Classification: Uncertain significance for Noonan syndrome and Noonan-related syndrome. Last evaluated: 2017-07-26. Review status: criteria provided, single submitter. Criteria: ACMG Guidelines, 2015. Collection method: clinical testing. Allele origin: germline.

PreventionGenetics, part of Exact Sciences
Classification: Likely benign for BRAF-related condition. Last evaluated: 2021-03-09. Review status: no assertion criteria provided. Collection method: clinical testing. Allele origin: germline. Not counted in ClinVar's aggregate classification.
Comment: This variant is classified as likely benign based on ACMG/AMP sequence variant interpretation guidelines (Richards et al. 2015 PMID: 25741868, with internal and published modifications).